The following is an entry in ClinVar:

ClinVar aggregate classification (germline): Uncertain significance (1 of 4 stars; one submission).

Allele frequency attached by ClinVar (database versions not stated): gnomAD exomes 0.00001; TOPMed 0.00002; gnomAD 0.00003.
gnomAD v4.1: 23 of 1,603,456 alleles (0.0014%); highest among the groups gnomAD compares: Middle Eastern, 0.099%; no homozygotes.

Submission:

Labcorp Genetics (formerly Invitae), Labcorp
Classification: Uncertain significance. Last evaluated: 2023-08-04. Review status: criteria provided, single submitter. Criteria: Invitae Variant Classification Sherloc (09022015). Collection method: clinical testing. Allele origin: germline.
Comment: This sequence change replaces glutamic acid, which is acidic and polar, with alanine, which is neutral and non-polar, at codon 470 of the TONSL protein (p.Glu470Ala). This variant is present in population databases (no rsID available, gnomAD 0.0009%). This variant has not been reported in the literature in individuals affected with TONSL-related conditions. ClinVar contains an entry for this variant (Variation ID: 1906602). Advanced modeling of protein sequence and biophysical properties (such as structural, functional, and spatial information, amino acid conservation, physicochemical variation, residue mobility, and thermodynamic stability) performed at Invitae indicates that this missense variant is expected to disrupt TONSL protein function. In summary, the available evidence is currently insufficient to determine the role of this variant in disease. Therefore, it has been classified as a Variant of Uncertain Significance.

NM_013432.5(TONSL):c.1409A>C (p.Glu470Ala)

Gene: TONSL (tonsoku like, DNA repair protein; minus strand). Cytogenetic location: 8q24.3.
Variant type: single nucleotide variant.
Coding change: c.1409A>C on transcript NM_013432.5 (MANE Select); coding-DNA position 1409, A replaced by C.
Protein change: p.Glu470Ala; replaces glutamic acid 470 with alanine.
Molecular consequence: missense variant.
Genome position (GRCh38, 1-based): chr8:144,440,092, T>G on the plus strand (A>C on the coding strand, the complement: TONSL is on the minus strand). VCF-style: chr8-144440092-T-G. GRCh37 (hg19) VCF-style: chr8-145665475-T-G.
Other names: short protein forms E470A.
Identifiers: ClinVar variation 1906602 (VCV001906602.5), dbSNP rs1033019360, ClinGen allele CA187674166.